The following is an entry in ClinVar:

NM_016284.5(CNOT1):c.1496G>A (p.Arg499His)

Gene: CNOT1 (CCR4-NOT transcription complex subunit 1; minus strand). Cytogenetic location: 16q21.
Variant type: single nucleotide variant.
Coding change: c.1496G>A on transcript NM_016284.5 (MANE Select); coding-DNA position 1496, G replaced by A.
Protein change: p.Arg499His; replaces arginine 499 with histidine.
Molecular consequence: missense variant. On other transcripts: non-coding transcript variant (1).
Genome position (GRCh38, 1-based): chr16:58,578,787, C>T on the plus strand (G>A on the coding strand, the complement: CNOT1 is on the minus strand). VCF-style: chr16-58578787-C-T. GRCh37 (hg19) VCF-style: chr16-58612691-C-T.
Other names: c.1496G>A, p.Arg499His (NM_001265612.2, NM_206999.3); short protein forms R499H.
Identifiers: ClinVar variation 2086132 (VCV002086132.1), dbSNP rs763930906, ClinGen allele CA8089909.
Genomic context (GRCh38, chr16:58,578,787, plus strand): 5'-ATAGCTGAGTTAGGATGGTTTCCAAGGAAAATTGGCATCAGAGTGGAGATAAGTTCATGG[C>T]GCAAGGTATGCCAAGAGGTGTTAATTTGTAGTAAGGCCAATACCAGCATGTCTGGACAGT-3'
Protein context (NP_057368.3, residues 489-509): LQINTSWHTL[Arg499His]HELISTLMPI

ClinVar aggregate classification (germline): Uncertain significance (1 of 4 stars; one submission).

Allele frequency attached by ClinVar (database versions not stated): TOPMed 0.00005; gnomAD exomes 0.00006; gnomAD 0.00007; ExAC 0.00021.
gnomAD v4.1: 91 of 1,613,920 alleles (0.0056%); highest among the groups gnomAD compares: Non-Finnish European, 0.0069%; no homozygotes.

Submission:

Labcorp Genetics (formerly Invitae), Labcorp
Classification: Uncertain significance. Last evaluated: 2022-09-15. Review status: criteria provided, single submitter. Criteria: Invitae Variant Classification Sherloc (09022015). Collection method: clinical testing. Allele origin: germline.
Comment: This sequence change replaces arginine, which is basic and polar, with histidine, which is basic and polar, at codon 499 of the CNOT1 protein (p.Arg499His). This variant is present in population databases (rs763930906, gnomAD 0.02%). This variant has not been reported in the literature in individuals affected with CNOT1-related conditions. Algorithms developed to predict the effect of missense changes on protein structure and function are either unavailable or do not agree on the potential impact of this missense change (SIFT: "Tolerated"; PolyPhen-2: "Probably Damaging"; Align-GVGD: "Class C0"). In summary, the available evidence is currently insufficient to determine the role of this variant in disease. Therefore, it has been classified as a Variant of Uncertain Significance.